The following is an entry in ClinVar:

ClinVar aggregate classification (germline): Conflicting classifications of pathogenicity. Review status: criteria provided, conflicting classifications (1 of 4 stars). 4 submissions from 4 submitters: Uncertain significance (1); Likely benign (2). 1 of the submissions does not count toward it. Last evaluated 2026-01-08.

Conditions:
Inborn genetic diseases. Identifiers: MedGen C0950123, MeSH D030342.
FAT1-related disorder. Also called: FAT1-related condition.

Allele frequency attached by ClinVar (database versions not stated): 1000 Genomes Project 0.00060; 1000 Genomes Project 30x 0.00062; gnomAD 0.00086; TOPMed 0.00143; ESP Exome Variant Server 0.00146.
gnomAD v4.1: 2,142 of 1,613,982 alleles (0.13%); highest among the groups gnomAD compares: Admixed American, 0.29%; 1 homozygote.

Submissions (4):

Labcorp Genetics (formerly Invitae), Labcorp
Classification: Likely benign. Last evaluated: 2026-01-08. Review status: criteria provided, single submitter. Criteria: Invitae Variant Classification Sherloc (09022015). Collection method: clinical testing. Allele origin: germline.

Ambry Genetics
Classification: Uncertain significance for Inborn genetic diseases. Last evaluated: 2022-06-29. Review status: criteria provided, single submitter. Criteria: Ambry Variant Classification Scheme 2023. Collection method: clinical testing. Allele origin: germline.

Department of Pathology and Laboratory Medicine, Sinai Health System
Classification: Likely benign for FAT1-related disorder. Last evaluated: 2021-07-30. Review status: criteria provided, single submitter. Criteria: ACMG Guidelines, 2015. Collection method: research. Allele origin: germline.

PreventionGenetics, part of Exact Sciences
Classification: Likely benign for FAT1-related condition. Last evaluated: 2022-04-21. Review status: no assertion criteria provided. Collection method: clinical testing. Allele origin: germline. Not counted in ClinVar's aggregate classification.
Comment: This variant is classified as likely benign based on ACMG/AMP sequence variant interpretation guidelines (Richards et al. 2015 PMID: 25741868, with internal and published modifications).

NM_005245.4(FAT1):c.3373A>C (p.Ile1125Leu)

Gene: FAT1 (FAT atypical cadherin 1; minus strand). Cytogenetic location: 4q35.2.
Variant type: single nucleotide variant.
Coding change: c.3373A>C on transcript NM_005245.4 (MANE Select); coding-DNA position 3373, A replaced by C.
Protein change: p.Ile1125Leu; replaces isoleucine 1125 with leucine.
Molecular consequence: missense variant.
Genome position (GRCh38, 1-based): chr4:186,663,506, T>G on the plus strand (A>C on the coding strand, the complement: FAT1 is on the minus strand). VCF-style: chr4-186663506-T-G. GRCh37 (hg19) VCF-style: chr4-187584660-T-G.
Other names: short protein forms I1125L.
Identifiers: ClinVar variation 778316 (VCV000778316.14), dbSNP rs56007012, ClinGen allele CA3167025.